The following is an entry in ClinVar:

ClinVar aggregate classification (germline): Likely benign (1 of 4 stars; one submission).

gnomAD v4.1: 7 of 1,613,990 alleles (0.00043%); highest among the groups gnomAD compares: Non-Finnish European, 0.00059%; no homozygotes.

Submission:

CeGaT Center for Human Genetics Tuebingen
Classification: Likely benign. Last evaluated: 2026-04-01. Review status: criteria provided, single submitter. Criteria: CeGaT Center For Human Genetics Tuebingen Variant Classification Criteria Version 2. Collection method: clinical testing. Allele origin: germline. Affected: yes. Observed: 1 variant allele.
Comment: SCN3A: BP4, BP7

NM_006922.4(SCN3A):c.1620C>T (p.Ser540=)

Gene: SCN3A (sodium voltage-gated channel alpha subunit 3; minus strand). Cytogenetic location: 2q24.3.
Variant type: single nucleotide variant.
Coding change: c.1620C>T on transcript NM_006922.4 (MANE Select); coding-DNA position 1620, C replaced by T.
Protein change: p.Ser540=; no amino-acid change (serine 540 retained).
Molecular consequence: synonymous variant.
Genome position (GRCh38, 1-based): chr2:165,146,790, G>A on the plus strand (C>T on the coding strand, the complement: SCN3A is on the minus strand). VCF-style: chr2-165146790-G-A. GRCh37 (hg19) VCF-style: chr2-166003300-G-A.
Other names: c.1620C>T, p.Ser540= (NM_001081676.2, NM_001081677.2).
Identifiers: ClinVar variation 4874658 (VCV004874658.2).